The following is an entry in ClinVar:

ClinVar aggregate classification (germline): Uncertain significance (1 of 4 stars; one submission).

Conditions:
Rolandic epilepsy, impaired intellectual development, and speech dyspraxia, X-linked. Also called: Rolandic epilepsy, impaired intellectual development, and speech dyspraxia; Rolandic epilepsy, intellectual disability, and speech dyspraxia, X-linked. Identifiers: MedGen C1845070, MONDO:0010388, OMIM 300643.

Submission:

Labcorp Genetics (formerly Invitae), Labcorp
Classification: Uncertain significance for Rolandic epilepsy, impaired intellectual development, and speech dyspraxia, X-linked. Last evaluated: 2021-05-26. Review status: criteria provided, single submitter. Criteria: Invitae Variant Classification Sherloc (09022015). Collection method: clinical testing. Allele origin: germline.
Comment: In summary, the available evidence is currently insufficient to determine the role of this variant in disease. Therefore, it has been classified as a Variant of Uncertain Significance. This variant has not been reported in the literature in individuals with SRPX2-related conditions. This variant results in a copy number gain of the genomic region encompassing exon(s) 4-11 of the SRPX2 gene. The 5' boundary is likely confined to intron 3. The 3' end of this event is unknown as it extends beyond the assayed region for this gene and therefore may encompass additional genes. As the precise location of this event is unknown, it may be in tandem or it may be located elsewhere in the genome.

NC_000023.10:g.(?_99917153)_(100662891_?)dup

Genes: ARL13A (ARF like GTPase 13A; plus strand), BTK (Bruton tyrosine kinase; minus strand), CENPI (centromere protein I; plus strand), CSTF2 (cleavage stimulation factor subunit 2; plus strand), DRP2 (dystrophin related protein 2; plus strand) and 11 more. Cytogenetic location: Xq22.1.
Variant type: Duplication.
Identifiers: ClinVar variation 1375651 (VCV001375651.6).